The following is an entry in ClinVar:

NM_001278689.2(EOGT):c.892G>A (p.Val298Ile)

Gene: EOGT (EGF domain specific O-linked N-acetylglucosamine transferase; minus strand). Cytogenetic location: 3p14.1.
Variant type: single nucleotide variant.
Coding change: c.892G>A on transcript NM_001278689.2 (MANE Select); coding-DNA position 892, G replaced by A.
Protein change: p.Val298Ile; replaces valine 298 with isoleucine.
Molecular consequence: missense variant. On other transcripts: non-coding transcript variant (1), intron variant (1).
Genome position (GRCh38, 1-based): chr3:68,988,957, C>T on the plus strand (G>A on the coding strand, the complement: EOGT is on the minus strand). VCF-style: chr3-68988957-C-T. GRCh37 (hg19) VCF-style: chr3-69038108-C-T.
Other names: c.832-1444G>A (NM_173654.3); short protein forms V298I.
Identifiers: ClinVar variation 3037060 (VCV003037060.2), dbSNP rs555754138, ClinGen allele CA2486756.

ClinVar aggregate classification (germline): Uncertain significance (0 of 4 stars; one submission).

Conditions:
EOGT-related disorder. Also called: EOGT-related condition.

Allele frequency attached by ClinVar (database versions not stated): ExAC 0.00007; 1000 Genomes Project 30x 0.00016; 1000 Genomes Project 0.00020; TOPMed 0.00023; gnomAD 0.00026.
gnomAD v4.1: 125 of 1,530,296 alleles (0.0082%); highest among the groups gnomAD compares: African/African-American, 0.095%; no homozygotes.

Submission:

PreventionGenetics, part of Exact Sciences
Classification: Uncertain significance for EOGT-related condition. Last evaluated: 2023-12-08. Review status: no assertion criteria provided. Collection method: clinical testing. Allele origin: germline.
Comment: The EOGT c.892G>A variant is predicted to result in the amino acid substitution p.Val298Ile. To our knowledge, this variant has not been reported in the literature. This variant is reported in 0.093% of alleles in individuals of African descent in gnomAD. Although we suspect that this variant may be benign, at this time, the clinical significance of this variant is uncertain due to the absence of conclusive functional and genetic evidence.